The following is an entry in ClinVar:

ClinVar aggregate classification (germline): Uncertain significance (1 of 4 stars; one submission).

Conditions:
MPIG6B-related disorder. Also called: MPIG6B-related condition.

gnomAD v4.1: 33 of 1,613,698 alleles (0.002%); highest among the groups gnomAD compares: Middle Eastern, 0.033%; no homozygotes.

Submission:

PreventionGenetics, part of Exact Sciences
Classification: Uncertain significance for MPIG6B-related condition. Last evaluated: 2025-03-21. Review status: criteria provided, single submitter. Criteria: ACMG Guidelines, 2015. Collection method: clinical testing. Allele origin: germline.
Comment: The MPIG6B c.557A>G variant is predicted to result in the amino acid substitution p.His186Arg. To our knowledge, this variant has not been reported in the literature. This variant is reported in 0.014% of alleles in individuals of Latino descent in gnomAD. At this time, the clinical significance of this variant is uncertain due to the absence of conclusive functional and genetic evidence.

NM_138272.3(MPIG6B):c.542-4A>G

Gene: MPIG6B (megakaryocyte and platelet inhibitory receptor G6b; plus strand). Cytogenetic location: 6p21.33.
Variant type: single nucleotide variant.
Coding change: c.542-4A>G on transcript NM_138272.3 (MANE Select); 4 bases into the intron before coding-DNA position 542, A replaced by G.
Molecular consequence: intron variant. On other transcripts: missense variant (4).
Genome position (GRCh38, 1-based): chr6:31,724,761, A>G. VCF-style: chr6-31724761-A-G. GRCh37 (hg19) VCF-style: chr6-31692538-A-G.
Other names: c.557A>G, p.His186Arg (NM_025260.4, NM_138277.3); c.466A>G, p.Ile156Val (NM_138273.3); c.425A>G, p.His142Arg (NM_138274.3); c.410-4A>G (NM_138275.3); short protein forms I156V, H186R, H142R.
Identifiers: ClinVar variation 4977339 (VCV004977339.1).
Genomic context (GRCh38, chr6:31,724,761, plus strand): 5'-CTTGCTGGGAGCAGACACGTTGGTCACCTTCTCTCCATCCTTCAGCTCTGTCCCCCCCAC[A>G]TAGCTCCACTTGTGAAAACCGAGCCCCAGAGGCCAGTAAAGGAGGAAGAGCCCAAGATTC-3'